The following is an entry in ClinVar:

NM_001376.5(DYNC1H1):c.10172C>T (p.Pro3391Leu)

Gene: DYNC1H1 (dynein cytoplasmic 1 heavy chain 1; plus strand). Cytogenetic location: 14q32.31.
Variant type: single nucleotide variant.
Coding change: c.10172C>T on transcript NM_001376.5 (MANE Select); coding-DNA position 10172, C replaced by T.
Protein change: p.Pro3391Leu; replaces proline 3391 with leucine.
Molecular consequence: missense variant.
Genome position (GRCh38, 1-based): chr14:102,033,157, C>T. VCF-style: chr14-102033157-C-T. GRCh37 (hg19) VCF-style: chr14-102499494-C-T.
Other names: short protein forms P3391L.
Identifiers: ClinVar variation 438584 (VCV000438584.1), dbSNP rs1555411378, ClinGen allele CA391022550.
Genomic context (GRCh38, chr14:102,033,157, plus strand): 5'-ACATGTCCAATCCAAGTTACAATTATGAAATTGTGAATCGGGCTTCCCTGGCTTGCGGCC[C>T]TATGGTGAAATGGGCAATTGCACAGGTGATTAACACAGCCAGGAGCTCCCGTGTGAAAGG-3'
Protein context (NP_001367.2, residues 3381-3401): IVNRASLACG[Pro3391Leu]MVKWAIAQLN

ClinVar aggregate classification (germline): Likely pathogenic (1 of 4 stars; one submission).

Conditions:
Cortical dysplasia, complex, with other brain malformations 13. Also called: Intellectual disability, autosomal dominant 13. Identifiers: MedGen C3281202, MONDO:0013805, OMIM 614563.

Submission:

Lupski Lab, Baylor-Hopkins CMG, Baylor College of Medicine
Classification: Likely pathogenic for Cortical dysplasia, complex, with other brain malformations 13. Last evaluated: 2017-09-01. Review status: criteria provided, single submitter. Criteria: Wiszniewski et al. (Eur J Hum Genet. 2018). Collection method: research. Allele origin: de novo. Inheritance: Autosomal dominant inheritance. Affected: yes. Observed: 1 variant allele.